The following is an entry in ClinVar:

NM_000077.5(CDKN2A):c.458-64del

Gene: CDKN2A (cyclin dependent kinase inhibitor 2A; minus strand). Cytogenetic location: 9p21.3.
Variant type: Deletion.
Coding change: c.458-64del on transcript NM_000077.5 (MANE Select); 64 bases into the intron before coding-DNA position 458, one base deleted (C; older notation c.458-64delC).
Molecular consequence: intron variant.
Genome position (GRCh38, 1-based): chr9:21,968,306, G deleted on the plus strand (C on the coding strand, the reverse complement: CDKN2A is on the minus strand). VCF-style (leftmost placement, unchanged base first): chr9-21968305-CG-C. GRCh37 (hg19) VCF-style: chr9-21968304-CG-C.
Other names: c.305-64del (NM_001363763.2); c.*102-64del (NM_058195.4); c.*151-64del (NM_001195132.2); c.*381-64del (NM_058197.5).
Identifiers: ClinVar variation 4294177 (VCV004294177.1).
Genomic context (GRCh38, chr9:21,968,305, plus strand): 5'-GCAGAGGGCAGAAAGAAAACAGGCGTTAGAAACCTGAGGTCAAAGATGTGTGGCACATCC[CG>C]CCCTCCTCTCTTGCCGTCCCTACCGGCATTGAAATACTTATGGATAAAGTTCTCGCAATG-3'

ClinVar aggregate classification (germline): Benign (1 of 4 stars; one submission).

Conditions:
Melanoma-pancreatic cancer syndrome. Identifiers: Orphanet 404560, MedGen C1838547, MONDO:0011713, OMIM 606719. Disease mechanism: loss of function.

Submission:

Myriad Genetics, Inc.
Classification: Benign for Melanoma-pancreatic cancer syndrome. Last evaluated: 2025-08-18. Review status: criteria provided, single submitter. Criteria: Myriad Autosomal Dominant, Autosomal Recessive and X-Linked Classification Criteria (2023). Collection method: clinical testing. Allele origin: unknown.
Comment: This variant is considered benign. This variant is intronic and is not expected to impact mRNA splicing.